The following is an entry in ClinVar:

NM_001377.3(DYNC2H1):c.4127+9A>G

Gene: DYNC2H1 (dynein cytoplasmic 2 heavy chain 1; plus strand). Cytogenetic location: 11q22.3.
Variant type: single nucleotide variant.
Coding change: c.4127+9A>G on transcript NM_001377.3 (MANE Select); 9 bases into the intron after coding-DNA position 4127, A replaced by G.
Molecular consequence: intron variant.
Genome position (GRCh38, 1-based): chr11:103,156,779, A>G. VCF-style: chr11-103156779-A-G. GRCh37 (hg19) VCF-style: chr11-103027508-A-G.
Other names: c.4127+9A>G (NM_001080463.1, NM_001080463.2).
Identifiers: ClinVar variation 2886452 (VCV002886452.5), dbSNP rs767771540, ClinGen allele CA6253465.

ClinVar aggregate classification (germline): Likely benign. Review status: criteria provided, multiple submitters, no conflicts (2 of 4 stars). 3 submissions from 3 submitters: Likely benign (2). 1 of the submissions does not count toward it. Last evaluated 2025-11-13.

Conditions:
DYNC2H1-related disorder. Also called: DYNC2H1-related condition; DYNC2H1-related disorders. Identifiers: MedGen CN378770.
Jeune thoracic dystrophy. Also called: Short-rib thoracic dysplasia; Jeune syndrome; Infantile thoracic dystrophy; Thoracic pelvic phalangeal dystrophy; Jeune's syndrome; Chondroectodermal dysplasia-like syndrome. Identifiers: Orphanet 474, MedGen C0265275, MONDO:0018770.

Allele frequency attached by ClinVar (database versions not stated): TOPMed below 0.00001; gnomAD exomes 0.00002; ExAC 0.00006.
gnomAD v4.1: 31 of 1,597,548 alleles (0.0019%); highest among the groups gnomAD compares: South Asian, 0.025%; 1 homozygote.

Submissions (3):

Labcorp Genetics (formerly Invitae), Labcorp
Classification: Likely benign for Jeune thoracic dystrophy. Last evaluated: 2025-11-13. Review status: criteria provided, single submitter. Criteria: Invitae Variant Classification Sherloc (09022015). Collection method: clinical testing. Allele origin: germline.

Blueprint Genetics
Classification: Likely benign. Last evaluated: 2023-08-24. Review status: criteria provided, single submitter. Criteria: ACMG Guidelines, 2015. Collection method: clinical testing. Allele origin: germline.

PreventionGenetics, part of Exact Sciences
Classification: Likely benign for DYNC2H1-related condition. Last evaluated: 2019-04-22. Review status: no assertion criteria provided. Collection method: clinical testing. Allele origin: germline. Not counted in ClinVar's aggregate classification.
Comment: This variant is classified as likely benign based on ACMG/AMP sequence variant interpretation guidelines (Richards et al. 2015 PMID: 25741868, with internal and published modifications).